The following is an entry in ClinVar:

NM_001040108.2(MLH3):c.2763G>A (p.Met921Ile)

Gene: MLH3 (mutL homolog 3; minus strand). Cytogenetic location: 14q24.3.
Variant type: single nucleotide variant.
Coding change: c.2763G>A on transcript NM_001040108.2 (MANE Select); coding-DNA position 2763, G replaced by A.
Protein change: p.Met921Ile; replaces methionine 921 with isoleucine.
Molecular consequence: missense variant.
Genome position (GRCh38, 1-based): chr14:75,046,893, C>T on the plus strand (G>A on the coding strand, the complement: MLH3 is on the minus strand). VCF-style: chr14-75046893-C-T. GRCh37 (hg19) VCF-style: chr14-75513596-C-T.
Other names: c.2763G>A, p.Met921Ile (NM_014381.3); short protein forms M921I.
Identifiers: ClinVar variation 3295171 (VCV003295171.1).

ClinVar aggregate classification (germline): Uncertain significance (1 of 4 stars; one submission).

gnomAD v4.1: 3 of 1,607,080 alleles (0.00019%); highest among the groups gnomAD compares: African/African-American, 0.004%; no homozygotes.

Submission:

Ambry Genetics
Classification: Uncertain significance. Last evaluated: 2024-06-23. Review status: criteria provided, single submitter. Criteria: Ambry Variant Classification Scheme 2023. Collection method: clinical testing. Allele origin: germline.
Comment: The p.M921I variant (also known as c.2763G>A), located in coding exon 1 of the MLH3 gene, results from a G to A substitution at nucleotide position 2763. The methionine at codon 921 is replaced by isoleucine, an amino acid with highly similar properties. This amino acid position is conserved. In addition, this alteration is predicted to be tolerated by in silico analysis. Based on the available evidence, the clinical significance of this variant remains unclear.